The following is an entry in ClinVar:

NM_001458.5(FLNC):c.1210+5G>C

Gene: FLNC (filamin C; plus strand). Cytogenetic location: 7q32.1.
Variant type: single nucleotide variant.
Coding change: c.1210+5G>C on transcript NM_001458.5 (MANE Select); 5 bases into the intron after coding-DNA position 1210, G replaced by C.
Molecular consequence: intron variant.
Genome position (GRCh38, 1-based): chr7:128,838,434, G>C. VCF-style: chr7-128838434-G-C. GRCh37 (hg19) VCF-style: chr7-128478488-G-C.
Other names: c.1210+5G>C (NM_001127487.2).
Identifiers: ClinVar variation 2574251 (VCV002574251.1), dbSNP rs770923888, ClinGen allele CA2580614264.

ClinVar aggregate classification (germline): Uncertain significance (1 of 4 stars; one submission).

Submission:

GeneDx
Classification: Uncertain significance. Last evaluated: 2023-01-06. Review status: criteria provided, single submitter. Criteria: GeneDx Variant Classification Process June 2021. Collection method: clinical testing. Allele origin: germline. Affected: yes.
Comment: Not observed at significant frequency in large population cohorts (gnomAD); Has not been previously published as pathogenic or benign to our knowledge; In silico analysis suggests this variant may impact gene splicing. In the absence of RNA/functional studies, the actual effect of this sequence change is unknown.